The following is an entry in ClinVar:

ClinVar aggregate classification (germline): Uncertain significance (1 of 4 stars; one submission).

Conditions:
Cardiovascular phenotype. Identifiers: MedGen CN230736.

Submission:

Ambry Genetics
Classification: Uncertain significance for Cardiovascular phenotype. Last evaluated: 2021-11-24. Review status: criteria provided, single submitter. Criteria: Ambry Variant Classification Scheme 2023. Collection method: clinical testing. Allele origin: germline.
Comment: The p.L173V variant (also known as c.517C>G), located in coding exon 4 of the SCN3B gene, results from a C to G substitution at nucleotide position 517. The leucine at codon 173 is replaced by valine, an amino acid with highly similar properties. This amino acid position is conserved. In addition, this alteration is predicted to be deleterious by in silico analysis. Since supporting evidence is limited at this time, the clinical significance of this alteration remains unclear.

NM_001040151.2(SCN3B):c.517C>G (p.Leu173Val)

Gene: SCN3B (sodium voltage-gated channel beta subunit 3; minus strand). Cytogenetic location: 11q24.1.
Variant type: single nucleotide variant.
Coding change: c.517C>G on transcript NM_001040151.2 (MANE Select); coding-DNA position 517, C replaced by G.
Protein change: p.Leu173Val; replaces leucine 173 with valine.
Molecular consequence: missense variant.
Genome position (GRCh38, 1-based): chr11:123,638,253, G>C on the plus strand (C>G on the coding strand, the complement: SCN3B is on the minus strand). VCF-style: chr11-123638253-G-C. GRCh37 (hg19) VCF-style: chr11-123508961-G-C.
Other names: c.517C>G, p.Leu173Val (NM_018400.4); short protein forms L173V.
Identifiers: ClinVar variation 1745840 (VCV001745840.2), dbSNP rs760034688, ClinGen allele CA383070269.